The following is an entry in ClinVar:

NM_000043.6(FAS):c.182_183insTTAT (p.Lys61fs)

Gene: FAS (Fas cell surface death receptor; plus strand). Cytogenetic location: 10q23.31.
Variant type: Insertion.
Coding change: c.182_183insTTAT on transcript NM_000043.6 (MANE Select); coding-DNA positions 182 to 183, TTAT inserted.
Protein change: p.Lys61fs; shifts the reading frame from lysine 61.
Molecular consequence: frameshift variant. On other transcripts: non-coding transcript variant (7).
Genome position: GRCh38 VCF-style: chr10-89003180-A-ATTAT. GRCh37 (hg19) VCF-style: chr10-90762937-A-ATTAT.
Other names: c.182_183insTTAT, p.Lys61fs (NM_001320619.2, NM_152871.4, NM_152872.4); short protein forms K61fs.
Identifiers: ClinVar variation 1413808 (VCV001413808.6), dbSNP rs2133472134, ClinGen allele CA2573145868.

ClinVar aggregate classification (germline): Pathogenic (1 of 4 stars; one submission).

Conditions:
Autoimmune lymphoproliferative syndrome type 1. Also called: AUTOIMMUNE LYMPHOPROLIFERATIVE SYNDROME, TYPE I, AUTOSOMAL DOMINANT. Identifiers: Orphanet 3261, MedGen C2717884, MONDO:0011158, OMIM 601859.

Submission:

Labcorp Genetics (formerly Invitae), Labcorp
Classification: Pathogenic for Autoimmune lymphoproliferative syndrome. Last evaluated: 2024-02-24. Review status: criteria provided, single submitter. Criteria: Invitae Variant Classification Sherloc (09022015). Collection method: clinical testing. Allele origin: germline.
Comment: This sequence change creates a premature translational stop signal (p.Lys61Asnfs*8) in the FAS gene. It is expected to result in an absent or disrupted protein product. Loss-of-function variants in FAS are known to be pathogenic (PMID: 10875918, 22237435). This variant is not present in population databases (gnomAD no frequency). This variant has not been reported in the literature in individuals affected with FAS-related conditions. ClinVar contains an entry for this variant (Variation ID: 1413808). For these reasons, this variant has been classified as Pathogenic.

Literature cited by the submitters: PubMed 10875918; PubMed 22237435.